The following is an entry in ClinVar:

NM_005228.5(EGFR):c.2663A>G (p.His888Arg)

Gene: EGFR (epidermal growth factor receptor; plus strand). Cytogenetic location: 7p11.2.
Variant type: single nucleotide variant.
Coding change: c.2663A>G on transcript NM_005228.5 (MANE Select); coding-DNA position 2663, A replaced by G.
Protein change: p.His888Arg; replaces histidine 888 with arginine.
Molecular consequence: missense variant.
Genome position (GRCh38, 1-based): chr7:55,192,803, A>G. VCF-style: chr7-55192803-A-G. GRCh37 (hg19) VCF-style: chr7-55260496-A-G.
Other names: c.2528A>G, p.His843Arg (NM_001346897.2, NM_001346899.2); c.2663A>G, p.His888Arg (NM_001346898.2); c.2504A>G, p.His835Arg (NM_001346900.2); c.1862A>G, p.His621Arg (NM_001346941.2); short protein forms H843R, H621R, H835R, H888R.
Identifiers: ClinVar variation 5035787 (VCV005035787.1).

ClinVar aggregate classification (germline): Uncertain significance (1 of 4 stars; one submission).

Conditions:
Hereditary cancer-predisposing syndrome. Also called: Hereditary Cancer Syndrome; Neoplastic Syndromes, Hereditary; Tumor predisposition; Hereditary neoplastic syndrome. Identifiers: Orphanet 140162, MedGen C0027672, MeSH D009386, MONDO:0015356.

gnomAD v4.1: 2 of 1,614,216 alleles (0.00012%); highest among the groups gnomAD compares: South Asian, 0.0011%; no homozygotes.

Submission:

Ambry Genetics
Classification: Uncertain significance for Hereditary cancer-predisposing syndrome. Last evaluated: 2026-07-07. Review status: criteria provided, single submitter. Criteria: Ambry Variant Classification Scheme 2023. Collection method: clinical testing. Allele origin: germline.
Comment: The p.H888R variant (also known as c.2663A>G), located in coding exon 22 of the EGFR gene, results from an A to G substitution at nucleotide position 2663. The histidine at codon 888 is replaced by arginine, an amino acid with highly similar properties. This amino acid position is conserved. In addition, the in silico prediction for this alteration is inconclusive. Based on the available evidence, the clinical significance of this variant remains unclear.